The following is an entry in ClinVar:

ClinVar aggregate classification (germline): Pathogenic (1 of 4 stars; one submission).

Conditions:
Bardet-Biedl syndrome (BBS). Identifiers: Orphanet 110, MedGen C0752166, MONDO:0015229.

Submission:

Labcorp Genetics (formerly Invitae), Labcorp
Classification: Pathogenic for Bardet-Biedl syndrome. Last evaluated: 2023-08-17. Review status: criteria provided, single submitter. Criteria: Invitae Variant Classification Sherloc (09022015). Collection method: clinical testing. Allele origin: germline.
Comment: For these reasons, this variant has been classified as Pathogenic. This variant has not been reported in the literature in individuals affected with WDPCP-related conditions. This variant is a gross deletion of the genomic region encompassing exon(s) 15 of the WDPCP gene. This deletion is out-of-frame, and is expected to create a premature termination codon and result in an absent or disrupted protein product. Loss-of-function variants in WDPCP are known to be pathogenic (PMID: 20671153, 25427950, 27158779).

Literature cited by the submitters: PubMed 20671153; PubMed 25427950; PubMed 27158779.

NC_000002.11:g.(?_63401785)_(63401987_?)del

Gene: WDPCP (WD repeat containing planar cell polarity effector; minus strand). Cytogenetic location: 2p15.
Variant type: Deletion.
Identifiers: ClinVar variation 2426237 (VCV002426237.4).